The following is an entry in ClinVar:

NM_001042724.2(NECTIN2):c.1042+3795G>A

Gene: NECTIN2 (nectin cell adhesion molecule 2; plus strand). Cytogenetic location: 19q13.32.
Variant type: single nucleotide variant.
Coding change: c.1042+3795G>A on transcript NM_001042724.2 (MANE Select); 3795 bases into the intron after coding-DNA position 1042, G replaced by A.
Molecular consequence: intron variant. On other transcripts: missense variant (1).
Genome position (GRCh38, 1-based): chr19:44,878,273, G>A. VCF-style: chr19-44878273-G-A. GRCh37 (hg19) VCF-style: chr19-45381530-G-A.
Other names: c.1093G>A, p.Val365Met (NM_002856.3); short protein forms V365M.
Identifiers: ClinVar variation 2650089 (VCV002650089.24), dbSNP rs201037066, ClinGen allele CA9505292.

ClinVar aggregate classification (germline): Benign (1 of 4 stars; one submission).

Allele frequency attached by ClinVar (database versions not stated): ESP Exome Variant Server 0.00249; gnomAD 0.00285; 1000 Genomes Project 30x 0.00359; gnomAD exomes 0.00383; 1000 Genomes Project 0.00399; ExAC 0.01022.
gnomAD v4.1: 4,199 of 1,143,934 alleles (0.37%); highest among the groups gnomAD compares: South Asian, 1.2%; 26 homozygotes.

Submission:

CeGaT Center for Human Genetics Tuebingen
Classification: Benign. Last evaluated: 2023-03-01. Review status: criteria provided, single submitter. Criteria: CeGaT Center For Human Genetics Tuebingen Variant Classification Criteria Version 2. Collection method: clinical testing. Allele origin: germline. Affected: yes. Observed: 1 variant allele.
Comment: NECTIN2: BP4, BS1, BS2